The following is an entry in ClinVar:

ClinVar aggregate classification (germline): Uncertain significance (1 of 4 stars; one submission).

Conditions:
NTRK2-related disorder. Also called: NTRK2-related condition.

Submission:

PreventionGenetics, part of Exact Sciences
Classification: Uncertain significance for NTRK2-related condition. Last evaluated: 2026-09-16. Review status: criteria provided, single submitter. Criteria: ACMG Guidelines, 2015. Collection method: clinical testing. Allele origin: germline.
Comment: The NTRK2 c.1418G>A variant is predicted to result in the amino acid substitution p.Gly473Glu. To our knowledge, this variant has not been reported in the literature or in a large population database (gnomAD), indicating this variant is rare. At this time, the clinical significance of this variant is uncertain due to the absence of conclusive functional and genetic evidence.

NM_006180.6(NTRK2):c.1418G>A (p.Gly473Glu)

Gene: NTRK2 (neurotrophic receptor tyrosine kinase 2; plus strand). Cytogenetic location: 9q21.33.
Variant type: single nucleotide variant.
Coding change: c.1418G>A on transcript NM_006180.6 (MANE Select); coding-DNA position 1418, G replaced by A.
Protein change: p.Gly473Glu; replaces glycine 473 with glutamic acid.
Molecular consequence: missense variant. On other transcripts: intron variant (7).
Genome position (GRCh38, 1-based): chr9:84,861,061, G>A. VCF-style: chr9-84861061-G-A. GRCh37 (hg19) VCF-style: chr9-87475976-G-A.
Other names: c.1418G>A, p.Gly473Glu (NM_001018065.2, NM_001369537.1); c.950G>A, p.Gly317Glu (NM_001369536.1); c.1397-6182G>A (NM_001369532.1, NM_001369533.1, NM_001018066.3 and 2 more transcripts); c.1361-6182G>A (NM_001369534.1); c.929-6182G>A (NM_001369535.1); short protein forms G317E, G473E.
Identifiers: ClinVar variation 4994137 (VCV004994137.1).